The following is an entry in ClinVar:

NM_006231.4(POLE):c.3799G>T (p.Glu1267Ter)

Gene: POLE (DNA polymerase epsilon, catalytic subunit; minus strand). Cytogenetic location: 12q24.33.
Variant type: single nucleotide variant.
Coding change: c.3799G>T on transcript NM_006231.4 (MANE Select); coding-DNA position 3799, G replaced by T.
Protein change: p.Glu1267Ter; replaces glutamic acid 1267 with a stop codon.
Molecular consequence: nonsense.
Genome position (GRCh38, 1-based): chr12:132,649,512, C>A on the plus strand (G>T on the coding strand, the complement: POLE is on the minus strand). VCF-style: chr12-132649512-C-A. GRCh37 (hg19) VCF-style: chr12-133226098-C-A.
Other names: short protein forms E1267*.
Identifiers: ClinVar variation 824226 (VCV000824226.14), dbSNP rs749543313, ClinGen allele CA387385737.

ClinVar aggregate classification (germline): Conflicting classifications of pathogenicity. Review status: criteria provided, conflicting classifications (1 of 4 stars). 2 submissions from 2 submitters: Pathogenic (1); Uncertain significance (1). Last evaluated 2025-09-08.

Conditions:
Hereditary cancer-predisposing syndrome. Also called: Neoplastic Syndromes, Hereditary; Tumor predisposition; Hereditary neoplastic syndrome; Hereditary Cancer Syndrome. Identifiers: Orphanet 140162, MedGen C0027672, MeSH D009386, MONDO:0015356.

Submissions (2):

Ambry Genetics
Classification: Uncertain significance for Hereditary cancer-predisposing syndrome. Last evaluated: 2025-09-08. Review status: criteria provided, single submitter. Criteria: Ambry Variant Classification Scheme 2023. Collection method: clinical testing. Allele origin: germline.
Comment: The p.E1267* variant (also known as c.3799G>T), located in coding exon 31 of the POLE gene, results from a G to T substitution at nucleotide position 3799. This changes the amino acid from a glutamic acid to a stop codon within coding exon 31. Loss-of-function variants are expected to result in loss of function by premature protein truncation or nonsense-mediated mRNA decay. However, In silico splice site analysis predicts that this alteration will result in the creation or strengthening of a novel splice acceptor site. The exact functional effect of this variant is unknown. Based on the available evidence, the clinical significance of this variant remains unclear.

Labcorp Genetics (formerly Invitae), Labcorp
Classification: Pathogenic. Last evaluated: 2023-09-09. Review status: criteria provided, single submitter. Criteria: Invitae Variant Classification Sherloc (09022015). Collection method: clinical testing. Allele origin: germline.
Comment: For these reasons, this variant has been classified as Pathogenic. This sequence change creates a premature translational stop signal (p.Glu1267*) in the POLE gene. It is expected to result in an absent or disrupted protein product. Loss-of-function variants in POLE are known to be pathogenic (PMID: 23230001, 25948378, 30503519). This variant is not present in population databases (gnomAD no frequency). Algorithms developed to predict the effect of sequence changes on RNA splicing suggest that this variant may create or strengthen a splice site. This variant has not been reported in the literature in individuals affected with POLE-related conditions. ClinVar contains an entry for this variant (Variation ID: 824226).

Literature cited by the submitters: PubMed 23230001 (cited by Labcorp Genetics (formerly Invitae), Labcorp); PubMed 25948378 (cited by Labcorp Genetics (formerly Invitae), Labcorp); PubMed 30503519 (cited by Labcorp Genetics (formerly Invitae), Labcorp).